The following is an entry in ClinVar:

ClinVar aggregate classification (germline): Uncertain significance. Review status: criteria provided, multiple submitters, no conflicts (2 of 4 stars). 3 submissions from 3 submitters: Uncertain significance (3). Last evaluated 2026-08-01.

Conditions:
Myasthenic syndrome, congenital, 22 (CMS22). Also called: PREPL DEFICIENCY. Identifiers: MedGen C4479088, MONDO:0044299, OMIM 616224.
Inborn genetic diseases. Identifiers: MedGen C0950123, MeSH D030342.

Allele frequency attached by ClinVar (database versions not stated): TOPMed 0.00002; ExAC 0.00014; 1000 Genomes Project 30x 0.00031; 1000 Genomes Project 0.00040.
gnomAD v4.1: 114 of 1,612,618 alleles (0.0071%); highest among the groups gnomAD compares: South Asian, 0.1%; no homozygotes.

Submissions (3):

CeGaT Center for Human Genetics Tuebingen
Classification: Uncertain significance. Last evaluated: 2026-08-01. Review status: criteria provided, single submitter. Criteria: CeGaT Center For Human Genetics Tuebingen Variant Classification Criteria Version 2. Collection method: clinical testing. Allele origin: germline. Affected: yes. Observed: 1 variant allele.
Comment: PREPL: PM2, BP4

Ambry Genetics
Classification: Uncertain significance for Inborn genetic diseases. Last evaluated: 2025-08-23. Review status: criteria provided, single submitter. Criteria: Ambry Variant Classification Scheme 2023. Collection method: clinical testing. Allele origin: germline.

Labcorp Genetics (formerly Invitae), Labcorp
Classification: Uncertain significance for Myasthenic syndrome, congenital, 22. Last evaluated: 2025-03-27. Review status: criteria provided, single submitter. Criteria: Invitae Variant Classification Sherloc (09022015). Collection method: clinical testing. Allele origin: germline.
Comment: This sequence change replaces glutamine, which is neutral and polar, with histidine, which is basic and polar, at codon 702 of the PREPL protein (p.Gln702His). This variant is present in population databases (rs574404474, gnomAD 0.09%). This variant has not been reported in the literature in individuals affected with PREPL-related conditions. ClinVar contains an entry for this variant (Variation ID: 947865). Invitae Evidence Modeling of protein sequence and biophysical properties (such as structural, functional, and spatial information, amino acid conservation, physicochemical variation, residue mobility, and thermodynamic stability) indicates that this missense variant is not expected to disrupt PREPL protein function with a negative predictive value of 80%. In summary, the available evidence is currently insufficient to determine the role of this variant in disease. Therefore, it has been classified as a Variant of Uncertain Significance.

NM_001171613.2(PREPL):c.1839A>C (p.Gln613His)

Genes: PREPL (prolyl endopeptidase like; minus strand), SLC3A1 (solute carrier family 3 member 1; plus strand). Cytogenetic location: 2p21.
Variant type: single nucleotide variant.
Coding change: c.1839A>C on transcript NM_001171613.2 (MANE Select); coding-DNA position 1839, A replaced by C.
Protein change: p.Gln613His; replaces glutamine 613 with histidine.
Molecular consequence: missense variant. On other transcripts: 3 prime UTR variant (1).
Genome position (GRCh38, 1-based): chr2:44,321,434, T>G on the plus strand (A>C on the coding strand, the complement: PREPL is on the minus strand). VCF-style: chr2-44321434-T-G. GRCh37 (hg19) VCF-style: chr2-44548573-T-G.
Other names: c.*795T>G (NM_000341.4); c.1920A>C, p.Gln640His (NM_001042385.2); c.1908A>C, p.Gln636His (NM_001042386.2); c.2106A>C, p.Gln702His (NM_001171603.1, NM_001171606.2, NM_001374275.1 and 2 more transcripts); c.1839A>C, p.Gln613His (NM_001171617.1, NM_001374277.1); short protein forms Q640H, Q613H, Q636H, Q702H.
Identifiers: ClinVar variation 947865 (VCV000947865.9), dbSNP rs574404474, ClinGen allele CA1640881.